The following is an entry in ClinVar:

ClinVar aggregate classification (germline): Uncertain significance. Review status: criteria provided, multiple submitters, no conflicts (2 of 4 stars). 3 submissions from 3 submitters: Uncertain significance (3). Last evaluated 2024-07-22.

Conditions:
Inborn genetic diseases. Identifiers: MedGen C0950123, MeSH D030342.

Allele frequency attached by ClinVar (database versions not stated): TOPMed 0.00005; gnomAD 0.00006; gnomAD exomes 0.00007; ExAC 0.00015.

Submissions (3):

GeneDx
Classification: Uncertain significance. Last evaluated: 2024-07-22. Review status: criteria provided, single submitter. Criteria: GeneDx Variant Classification Process June 2021. Collection method: clinical testing. Allele origin: germline. Affected: yes.
Comment: Not observed at significant frequency in large population cohorts (gnomAD); In silico analysis indicates that this missense variant does not alter protein structure/function; Has not been previously published as pathogenic or benign to our knowledge

Labcorp Genetics (formerly Invitae), Labcorp
Classification: Uncertain significance. Last evaluated: 2024-06-17. Review status: criteria provided, single submitter. Criteria: Invitae Variant Classification Sherloc (09022015). Collection method: clinical testing. Allele origin: germline.
Comment: This sequence change replaces methionine, which is neutral and non-polar, with valine, which is neutral and non-polar, at codon 187 of the SFXN4 protein (p.Met187Val). This variant is present in population databases (rs766584757, gnomAD 0.01%). This variant has not been reported in the literature in individuals affected with SFXN4-related conditions. ClinVar contains an entry for this variant (Variation ID: 2155964). Algorithms developed to predict the effect of missense changes on protein structure and function output the following: SIFT: "Not Available"; PolyPhen-2: "Benign"; Align-GVGD: "Not Available". The valine amino acid residue is found in multiple mammalian species, which suggests that this missense change does not adversely affect protein function. In summary, the available evidence is currently insufficient to determine the role of this variant in disease. Therefore, it has been classified as a Variant of Uncertain Significance.

Ambry Genetics
Classification: Uncertain significance for Inborn genetic diseases. Last evaluated: 2021-09-28. Review status: criteria provided, single submitter. Criteria: Ambry Variant Classification Scheme 2023. Collection method: clinical testing. Allele origin: germline.

NM_213649.2(SFXN4):c.559A>G (p.Met187Val)

Gene: SFXN4 (sideroflexin 4; minus strand). Cytogenetic location: 10q26.11.
Variant type: single nucleotide variant.
Coding change: c.559A>G on transcript NM_213649.2 (MANE Select); coding-DNA position 559, A replaced by G.
Protein change: p.Met187Val; replaces methionine 187 with valine.
Molecular consequence: missense variant. On other transcripts: non-coding transcript variant (1).
Genome position (GRCh38, 1-based): chr10:119,156,735, T>C on the plus strand (A>G on the coding strand, the complement: SFXN4 is on the minus strand). VCF-style: chr10-119156735-T-C. GRCh37 (hg19) VCF-style: chr10-120916247-T-C.
Other names: c.559A>G (NM_213649.1); c.559A>G, p.Met187Val (NM_213650.1); short protein forms M187V.
Identifiers: ClinVar variation 2155964 (VCV002155964.6), dbSNP rs766584757, ClinGen allele CA5714477.
Genomic context (GRCh38, chr10:119,156,735, plus strand): 5'-CACCGAGGAAGATCACAGGTAAGAGTCTTTTAATCCAAGGGCCAGTCAGGCCATACTTCA[T>C]CTGGACAAACTGAGGGATTACCTAGAAAAGAAGAGAGAAAAATCATTATTTCATGGGACT-3'
Protein context (NP_998814.1, residues 177-197): FLGVIPQFVQ[Met187Val]KYGLTGPWIK